The following is an entry in ClinVar:

NM_000368.5(TSC1):c.3337C>A (p.Leu1113Ile)

Gene: TSC1 (TSC complex subunit 1; minus strand). Cytogenetic location: 9q34.13.
Variant type: single nucleotide variant.
Coding change: c.3337C>A on transcript NM_000368.5 (MANE Select); coding-DNA position 3337, C replaced by A.
Protein change: p.Leu1113Ile; replaces leucine 1113 with isoleucine.
Molecular consequence: missense variant.
Genome position (GRCh38, 1-based): chr9:132,896,393, G>T on the plus strand (C>A on the coding strand, the complement: TSC1 is on the minus strand). VCF-style: chr9-132896393-G-T. GRCh37 (hg19) VCF-style: chr9-135771780-G-T.
Other names: c.3334C>A, p.Leu1112Ile (NM_001162426.2); c.3184C>A, p.Leu1062Ile (NM_001162427.2); c.2974C>A, p.Leu992Ile (NM_001362177.2); short protein forms L1113I, L1062I, L1112I, L992I.
Identifiers: ClinVar variation 959700 (VCV000959700.10), dbSNP rs1449696743, ClinGen allele CA375366586.

ClinVar aggregate classification (germline): Conflicting classifications of pathogenicity. Review status: criteria provided, conflicting classifications (1 of 4 stars). 2 submissions from 2 submitters: Uncertain significance (1); Likely benign (1). Last evaluated 2024-09-23.

Conditions:
Hereditary cancer-predisposing syndrome. Also called: Hereditary neoplastic syndrome; Tumor predisposition; Neoplastic Syndromes, Hereditary; Hereditary Cancer Syndrome. Identifiers: Orphanet 140162, MedGen C0027672, MeSH D009386, MONDO:0015356.
Tuberous sclerosis 1 (TSC1). Identifiers: Orphanet 805, MedGen C1854465, MONDO:0008612, OMIM 191100.

Allele frequency attached by ClinVar (database versions not stated): gnomAD exomes below 0.00001; TOPMed 0.00001.
gnomAD v4.1: 1 of 1,614,194 alleles (0.000062%); highest among the groups gnomAD compares: Admixed American, 0.0017%; no homozygotes.

Submissions (2):

Ambry Genetics
Classification: Uncertain significance for Hereditary cancer-predisposing syndrome. Last evaluated: 2024-09-23. Review status: criteria provided, single submitter. Criteria: Ambry Variant Classification Scheme 2023. Collection method: clinical testing. Allele origin: germline.
Comment: The p.L1113I variant (also known as c.3337C>A), located in coding exon 21 of the TSC1 gene, results from a C to A substitution at nucleotide position 3337. The leucine at codon 1113 is replaced by isoleucine, an amino acid with highly similar properties. This amino acid position is conserved. In addition, this alteration is predicted to be tolerated by in silico analysis. Based on the available evidence, the clinical significance of this variant remains unclear.

Labcorp Genetics (formerly Invitae), Labcorp
Classification: Likely benign for Tuberous sclerosis 1. Last evaluated: 2024-02-26. Review status: criteria provided, single submitter. Criteria: Invitae Variant Classification Sherloc (09022015). Collection method: clinical testing. Allele origin: germline.